The following is an entry in ClinVar:

NM_207361.6(FREM2):c.*4249A>C

Gene: FREM2 (FRAS1 related extracellular matrix 2; plus strand). Cytogenetic location: 13q13.3.
Variant type: single nucleotide variant.
Coding change: c.*4249A>C on transcript NM_207361.6 (MANE Select); 4249 bases downstream of the stop codon, A replaced by C.
Molecular consequence: 3 prime UTR variant.
Genome position (GRCh38, 1-based): chr13:38,885,036, A>C. VCF-style: chr13-38885036-A-C. GRCh37 (hg19) VCF-style: chr13-39459173-A-C.
Identifiers: ClinVar variation 881366 (VCV000881366.4), dbSNP rs116463058, ClinGen allele CA248325272.
Genomic context (GRCh38, chr13:38,885,036, plus strand): 5'-TAGAATTGATTGCACTATTGCATGGTAATAACATTTAATTGTTAAGGAAACATTATATAT[A>C]GGTTCAAATTATCCCTTAATGTTGATTTCTCCCCTTTTCCATGGATTTTGATACTAAGAA-3'

ClinVar aggregate classification (germline): Benign (1 of 4 stars; one submission).

Conditions:
Fraser syndrome 2 (FRASRS2). Identifiers: MedGen C4540036, MONDO:0054738, OMIM 617666.

Allele frequency attached by ClinVar (database versions not stated): gnomAD 0.00649 and 0.00684; TOPMed 0.00709; 1000 Genomes Project 0.00879; 1000 Genomes Project 30x 0.00937.

Submission:

Illumina Laboratory Services, Illumina
Classification: Benign for Fraser syndrome 2. Last evaluated: 2018-01-13. Review status: criteria provided, single submitter. Criteria: ICSL Variant Classification Criteria 13 December 2019. Collection method: clinical testing. Allele origin: germline.
Comment: This variant was observed in the ICSL laboratory as part of a predisposition screen in an ostensibly healthy population. It had not been previously curated by ICSL or reported in the Human Gene Mutation Database (HGMD: prior to June 1st, 2018), and was therefore a candidate for classification through an automated scoring system. Utilizing variant allele frequency, disease prevalence and penetrance estimates, and inheritance mode, an automated score was calculated to assess if this variant is too frequent to cause the disease. Based on the score and internal cut-off values, a variant classified as benign is not then subjected to further curation. The score for this variant resulted in a classification of benign for this disease.